The following is an entry in ClinVar:

NM_001042492.3(NF1):c.8027del (p.Asn2676fs)

Gene: NF1 (neurofibromin 1; plus strand). Cytogenetic location: 17q11.2.
Variant type: Deletion.
Coding change: c.8027del on transcript NM_001042492.3 (MANE Select); coding-DNA position 8027, one base deleted (A; older notation c.8027delA).
Protein change: p.Asn2676fs; shifts the reading frame from asparagine 2676.
Molecular consequence: frameshift variant.
Genome position (GRCh38, 1-based): chr17:31,358,536, A deleted; the last of 3 consecutive A bases (chr17:31,358,534-31,358,536); deleting any one gives the same sequence. VCF-style (leftmost placement, unchanged base first): chr17-31358533-CA-C. GRCh37 (hg19) VCF-style: chr17-29685551-CA-C.
Other names: c.7964delA, p.Asn2655Ilefs (NM_000267.4); short protein forms N2676fs, N2655fs.
Identifiers: ClinVar variation 2116527 (VCV002116527.4), dbSNP rs2508835058, ClinGen allele CA2580093489.

ClinVar aggregate classification (germline): Pathogenic (1 of 4 stars; one submission).

Conditions:
Neurofibromatosis, type 1 (NF1). Also called: NEUROFIBROMATOSIS, TYPE I, SOMATIC; Neurofibromatosis, type I; Peripheral type neurofibromatosis; VON RECKLINGHAUSEN DISEASE. Identifiers: Orphanet 636, MedGen C0027831, MONDO:0018975, OMIM 162200. Disease mechanism: loss of function.

Submission:

Labcorp Genetics (formerly Invitae), Labcorp
Classification: Pathogenic for Neurofibromatosis, type 1. Last evaluated: 2022-03-24. Review status: criteria provided, single submitter. Criteria: Invitae Variant Classification Sherloc (09022015). Collection method: clinical testing. Allele origin: germline.
Comment: For these reasons, this variant has been classified as Pathogenic. This variant has not been reported in the literature in individuals affected with NF1-related conditions. This sequence change creates a premature translational stop signal (p.Asn2655Ilefs*3) in the NF1 gene. It is expected to result in an absent or disrupted protein product. Loss-of-function variants in NF1 are known to be pathogenic (PMID: 10712197, 23913538). This variant is not present in population databases (gnomAD no frequency).

Literature cited by the submitters: PubMed 10712197; PubMed 23913538.